The following is an entry in ClinVar:

NM_178857.6(RP1L1):c.2899G>A (p.Glu967Lys)

Gene: RP1L1 (RP1 like 1). Cytogenetic location: 8p23.1.
Variant type: single nucleotide variant.
Coding change: c.2899G>A on transcript NM_178857.6 (MANE Select); coding-DNA position 2899, G replaced by A.
Protein change: p.Glu967Lys; replaces glutamic acid 967 with lysine.
Molecular consequence: missense variant.
Genome position (GRCh38, 1-based): chr8:10,611,199, C>T on the plus strand (G>A on the coding strand, the complement: RP1L1 is on the minus strand). VCF-style: chr8-10611199-C-T. GRCh37 (hg19) VCF-style: chr8-10468709-C-T.
Other names: short protein forms E967K.
Identifiers: ClinVar variation 361330 (VCV000361330.50), dbSNP rs201302817, ClinGen allele CA4624665.
Genomic context (GRCh38, chr8:10,611,199, plus strand): 5'-GGCCACCCCCAGCTGCACCTGTGGTCTCGTCCGCCAACTCATATGTCATGAGTATGGGCT[C>T]TTCTGGAATGTTGTCCAGCCATTCGCGGACCACAGCCTCTGGAGACGAGCGGGGCAGAGA-3'
Protein context (NP_849188.4, residues 957-977): VREWLDNIPE[Glu967Lys]PILMTYELAD

ClinVar aggregate classification (germline): Benign/Likely benign. Review status: criteria provided, multiple submitters, no conflicts (2 of 4 stars). 6 submissions from 6 submitters: Benign (1); Likely benign (2). 3 of the submissions do not count toward it. Last evaluated 2026-04-01.

Conditions:
Occult macular dystrophy (OCMD). Also called: OMD; OCCULT MACULAR DYSTROPHY, SUSCEPTIBILITY TO. Identifiers: Orphanet 247834, MedGen C3150833, MONDO:0013316, OMIM 613587, HP:0030636.
RP1L1-related disorder. Also called: RP1L1-related condition.

Allele frequency attached by ClinVar (database versions not stated): 1000 Genomes Project 0.00020; 1000 Genomes Project 30x 0.00094; gnomAD exomes 0.00138 and 0.00221; gnomAD 0.00139 and 0.00141; ExAC 0.00146; TOPMed 0.00146; ESP Exome Variant Server 0.00179.
gnomAD v4.1: 3,421 of 1,612,978 alleles (0.21%); highest among the groups gnomAD compares: Non-Finnish European, 0.27%; 1 homozygote.

Submissions (6):

CeGaT Center for Human Genetics Tuebingen
Classification: Likely benign. Last evaluated: 2026-04-01. Review status: criteria provided, single submitter. Criteria: CeGaT Center For Human Genetics Tuebingen Variant Classification Criteria Version 2. Collection method: clinical testing. Allele origin: germline. Affected: yes. Observed: 2 variant alleles.
Comment: RP1L1: BP4

Blueprint Genetics
Classification: Likely benign. Last evaluated: 2024-11-22. Review status: criteria provided, single submitter. Criteria: ACMG Guidelines, 2015. Collection method: clinical testing. Allele origin: germline.

Illumina Laboratory Services, Illumina
Classification: Benign for Occult macular dystrophy. Last evaluated: 2018-01-13. Review status: criteria provided, single submitter. Criteria: ICSL Variant Classification Criteria 13 December 2019. Collection method: clinical testing. Allele origin: germline.
Comment: This variant was observed in the ICSL laboratory as part of a predisposition screen in an ostensibly healthy population. It had not been previously curated by ICSL or reported in the Human Gene Mutation Database (HGMD: prior to June 1st, 2018), and was therefore a candidate for classification through an automated scoring system. Utilizing variant allele frequency, disease prevalence and penetrance estimates, and inheritance mode, an automated score was calculated to assess if this variant is too frequent to cause the disease. Based on the score and internal cut-off values, a variant classified as benign is not then subjected to further curation. The score for this variant resulted in a classification of benign for this disease.

PreventionGenetics, part of Exact Sciences
Classification: Likely benign for RP1L1-related condition. Last evaluated: 2019-06-21. Review status: no assertion criteria provided. Collection method: clinical testing. Allele origin: germline. Not counted in ClinVar's aggregate classification.
Comment: This variant is classified as likely benign based on ACMG/AMP sequence variant interpretation guidelines (Richards et al. 2015 PMID: 25741868, with internal and published modifications).

Clinical Genetics DNA and cytogenetics Diagnostics Lab, Erasmus MC, Erasmus Medical Center
Classification: Likely benign. Review status: no assertion criteria provided. Collection method: clinical testing. Allele origin: germline. Affected: yes. Study: VKGL Data-share Consensus. Not counted in ClinVar's aggregate classification.

Clinical Genetics, Academic Medical Center
Classification: Benign. Review status: no assertion criteria provided. Collection method: clinical testing. Allele origin: germline. Affected: yes. Study: VKGL Data-share Consensus. Not counted in ClinVar's aggregate classification.